The following is an entry in ClinVar:

NM_001453.3(FOXC1):c.1262G>A (p.Gly421Asp)

Gene: FOXC1 (forkhead box C1; plus strand). Cytogenetic location: 6p25.3.
Variant type: single nucleotide variant.
Coding change: c.1262G>A on transcript NM_001453.3 (MANE Select); coding-DNA position 1262, G replaced by A.
Protein change: p.Gly421Asp; replaces glycine 421 with aspartic acid.
Molecular consequence: missense variant.
Genome position (GRCh38, 1-based): chr6:1,611,707, G>A. VCF-style: chr6-1611707-G-A. GRCh37 (hg19) VCF-style: chr6-1611942-G-A.
Other names: short protein forms G421D.
Identifiers: ClinVar variation 2161060 (VCV002161060.5), dbSNP rs1444644413, ClinGen allele CA362560555.

ClinVar aggregate classification (germline): Uncertain significance. Review status: criteria provided, multiple submitters, no conflicts (2 of 4 stars). 2 submissions from 2 submitters: Uncertain significance (2). Last evaluated 2024-01-30.

Conditions:
Axenfeld-Rieger syndrome type 3 (RIEG3). Also called: AXENFELD-RIEGER ANOMALY WITH CARDIAC DEFECTS AND/OR SENSORINEURAL HEARING LOSS. Identifiers: Orphanet 782, MedGen C2678503, MONDO:0011233, OMIM 602482.
Anterior segment dysgenesis 3 (ASGD3). Also called: IRIDOGONIODYSGENESIS ANOMALY, AUTOSOMAL DOMINANT; Glaucoma iridogoniodysplasia, familial. Identifiers: Orphanet 91483, MedGen C5975707, MONDO:0024456, OMIM 601631.

Allele frequency attached by ClinVar (database versions not stated): TOPMed below 0.00001; gnomAD exomes 0.00002.

Submissions (2):

Fulgent Genetics
Classification: Uncertain significance for Anterior segment dysgenesis 3; Axenfeld-Rieger syndrome type 3. Last evaluated: 2024-01-30. Review status: criteria provided, single submitter. Criteria: ACMG Guidelines, 2015. Collection method: clinical testing. Allele origin: germline.

Labcorp Genetics (formerly Invitae), Labcorp
Classification: Uncertain significance for Axenfeld-Rieger syndrome type 3. Last evaluated: 2023-08-10. Review status: criteria provided, single submitter. Criteria: Invitae Variant Classification Sherloc (09022015). Collection method: clinical testing. Allele origin: germline.
Comment: In summary, the available evidence is currently insufficient to determine the role of this variant in disease. Therefore, it has been classified as a Variant of Uncertain Significance. An algorithm developed to predict the effect of missense changes on protein structure and function (PolyPhen-2) suggests that this variant is likely to be tolerated. ClinVar contains an entry for this variant (Variation ID: 2161060). This variant has not been reported in the literature in individuals affected with FOXC1-related conditions. The frequency data for this variant in the population databases is considered unreliable, as metrics indicate poor data quality at this position in the gnomAD database. This sequence change replaces glycine, which is neutral and non-polar, with aspartic acid, which is acidic and polar, at codon 421 of the FOXC1 protein (p.Gly421Asp).